The following is an entry in ClinVar:

ClinVar aggregate classification (germline): Uncertain significance (1 of 4 stars; one submission).

Conditions:
Pheochromocytoma. Also called: MAX-Related Hereditary Paraganglioma-Pheochromocytoma Syndrome. Identifiers: Orphanet 29072, MedGen C0031511, MONDO:0008233, OMIM 171300, HP:0002666.

Allele frequency attached by ClinVar (database versions not stated): ExAC 0.00003; ESP Exome Variant Server 0.00015.
gnomAD v4.1: 20 of 1,614,056 alleles (0.0012%); highest among the groups gnomAD compares: African/African-American, 0.027%; no homozygotes.

Submission:

St. Jude Molecular Pathology, St. Jude Children's Research Hospital
Classification: Uncertain significance for Pheochromocytoma. Last evaluated: 2023-04-20. Review status: criteria provided, single submitter. Criteria: St. Jude Assertion Criteria 2020. Collection method: clinical testing. Allele origin: germline.
Comment: The KIF1B c.3176C>A (p.Pro1059Gln) missense change has a maximum subpopulation frequency of 0.024% in gnomAD v2.1.1. The in silico tool REVEL predicts a benign effect on protein function, but to our knowledge this prediction has not been confirmed by functional studies. To our knowledge, this variant has not been reported in individuals with pheochromocytoma or neuroblastoma. In summary, the evidence currently available is insufficient to determine the clinical significance of this variant. It has therefore been classified as of uncertain significance.

NM_001365951.3(KIF1B):c.2115+7115C>A

Gene: KIF1B (kinesin family member 1B; plus strand). Cytogenetic location: 1p36.22.
Variant type: single nucleotide variant.
Coding change: c.2115+7115C>A on transcript NM_001365951.3 (MANE Select); 7115 bases into the intron after coding-DNA position 2115, C replaced by A.
Molecular consequence: intron variant. On other transcripts: missense variant (2).
Genome position (GRCh38, 1-based): chr1:10,304,361, C>A. VCF-style: chr1-10304361-C-A. GRCh37 (hg19) VCF-style: chr1-10364419-C-A.
Other names: c.3176C>A, p.Pro1059Gln (NM_001365953.1, NM_183416.4); c.1977+7115C>A (NM_015074.3); c.2115+7115C>A (NM_001365952.1); short protein forms P1059Q.
Identifiers: ClinVar variation 2503519 (VCV002503519.1), dbSNP rs150769714, ClinGen allele CA581384.